The following is an entry in ClinVar:

NM_000016.6(ACADM):c.797A>G (p.Asp266Gly)

Gene: ACADM (acyl-CoA dehydrogenase medium chain; plus strand). Cytogenetic location: 1p31.1.
Variant type: single nucleotide variant.
Coding change: c.797A>G on transcript NM_000016.6 (MANE Select); coding-DNA position 797, A replaced by G.
Protein change: p.Asp266Gly; replaces aspartic acid 266 with glycine.
Molecular consequence: missense variant.
Genome position (GRCh38, 1-based): chr1:75,749,507, A>G. VCF-style: chr1-75749507-A-G. GRCh37 (hg19) VCF-style: chr1-76215192-A-G.
Other names: p.D266G:GAC>GGC; c.809A>G, p.Asp270Gly (NM_001127328.3); c.689A>G, p.Asp230Gly (NM_001286042.2); c.896A>G, p.Asp299Gly (NM_001286043.2); c.230A>G, p.Asp77Gly (NM_001286044.2); short protein forms D266G, D270G, D299G, D77G, D230G.
Identifiers: ClinVar variation 203540 (VCV000203540.48), dbSNP rs201375579, ClinGen allele CA312178.

ClinVar aggregate classification (germline): Pathogenic/Likely pathogenic. Review status: criteria provided, multiple submitters, no conflicts (2 of 4 stars). 16 submissions from 16 submitters: Pathogenic (11); Likely pathogenic (5). Last evaluated 2026-08-06.

Conditions:
ACADM-related disorder. Also called: ACADM-related condition.
Medium-chain acyl-coenzyme A dehydrogenase deficiency (ACADMD). Also called: ACADM DEFICIENCY; MCADH DEFICIENCY; MCADD; CARNITINE DEFICIENCY SECONDARY TO MEDIUM-CHAIN ACYL-CoA DEHYDROGENASE DEFICIENCY; Medium chain acyl-CoA dehydrogenase deficiency; MCAD Deficiency. Identifiers: Orphanet 42, MedGen C0220710, MONDO:0008721, OMIM 201450.
Epileptic spasm. Also called: Epileptic spasms. Identifiers: MedGen C1527366, HP:0011097.

Allele frequency attached by ClinVar (database versions not stated): ESP Exome Variant Server 0.00008; TOPMed 0.00015; gnomAD 0.00016 and 0.00017; gnomAD exomes 0.00032; ExAC 0.00044.
gnomAD v4.1: 246 of 1,613,994 alleles (0.015%); highest among the groups gnomAD compares: Admixed American, 0.06%; 1 homozygote.

Submissions 1 to 8 of 16:

OLLIN Analises Genomicas, OLLIN
Classification: Pathogenic for Medium-chain acyl-coenzyme A dehydrogenase deficiency. Last evaluated: 2026-08-06. Review status: criteria provided, single submitter. Criteria: ACMG Guidelines 2015 PMID 25741868. Collection method: clinical testing. Allele origin: germline. Inheritance: Autosomal recessive inheritance.
Comment: This missense variant, located in exon 9 (of 12), has been reported in ClinVar (accession VCV000203540.46), in gnomAD with an allele frequency of 0.015%, and in the scientific literature, in compound heterozygosity, in individuals with ACADM related disorders (PMID: 19224950, 24718418). Functional studies suggest that this variant may affect protein function, and in silico analysis predicts a deleterious effect (PMID: 19224950, 24718418). This variant is located in a region considered to be a mutational hotspot. According to the currently available evidence, this variant has been classified as pathogenic (PS3_P, PM1, PM3_VS, PP3).

Labcorp Genetics (formerly Invitae), Labcorp
Classification: Pathogenic for Medium-chain acyl-coenzyme A dehydrogenase deficiency. Last evaluated: 2026-02-02. Review status: criteria provided, single submitter. Criteria: Invitae Variant Classification Sherloc (09022015). Collection method: clinical testing. Allele origin: germline.
Comment: This sequence change replaces aspartic acid, which is acidic and polar, with glycine, which is neutral and non-polar, at codon 266 of the ACADM protein (p.Asp266Gly). This variant is present in population databases (rs201375579, gnomAD 0.06%). This missense change has been observed in individual(s) with medium chain acyl-CoA dehydrogenase (MCAD) deficiency (PMID: 19224950, 19780764, 22542437; internal data). In at least one individual the data is consistent with being in trans (on the opposite chromosome) from a pathogenic variant. ClinVar contains an entry for this variant (Variation ID: 203540). Invitae Evidence Modeling of protein sequence and biophysical properties (such as structural, functional, and spatial information, amino acid conservation, physicochemical variation, residue mobility, and thermodynamic stability) indicates that this missense variant is not expected to disrupt ACADM protein function with a negative predictive value of 80%. Experimental studies have shown that this missense change affects ACADM function (PMID: 19224950, 24718418). For these reasons, this variant has been classified as Pathogenic.

PreventionGenetics, part of Exact Sciences
Classification: Pathogenic for ACADM-related condition. Last evaluated: 2026-02-02. Review status: criteria provided, single submitter. Criteria: ACMG Guidelines, 2015. Collection method: clinical testing. Allele origin: germline.
Comment: The ACADM c.797A>G variant is predicted to result in the amino acid substitution p.Asp266Gly. This variant has been reported in patients identified based on abnormal newborn screening results suggestive of medium chain acyl-CoA dehydrogenase deficiency (MCADD) (Maier et al. 2005. PubMed ID: 15832312; Andresen et al. 2012. PubMed ID: 22542437; Bentler et al. 2016. PubMed ID: 27477829). It is unclear whether the c.797A>G (p.Asp266Gly) variant is associated with a clinical phenotype (Smith et al. 2010. PubMed ID: 20434380). We have observed this variant at PreventionGenetics in the heterozygous state with a second pathogenic variant in several patients identified via newborn screening. In two functional studies, the p.Asp266Gly substitution was reported to have a severe effect on enzyme activity and protein stability, comparable to that observed from the known severe p.Lys329Glu substitution (Maier et al. 2009. PubMed ID: 19224950; Jank et al. 2014. PubMed ID: 24718418). In summary, we classify this variant as pathogenic.

Natera, Inc.
Classification: Pathogenic for Medium Chain Acyl-CoA Dehydrogenase Deficiency. Last evaluated: 2025-10-13. Review status: criteria provided, single submitter. Criteria: Natera Variant Classification Schema (03/2026). Collection method: clinical testing. Allele origin: germline.
Comment: The c.797A>G variant in ACADM is a missense variant predicted to cause substitution of aspartic acid to glycine at amino acid 266. This variant is rare in the general population with a frequency below the threshold expected for the associated phenotype(s). This variant has been observed in one or more individuals affected with the associated recessive disease, as either homozygous or compound heterozygous with a second variant (PMID: 18450854, 19780764). Computational prediction algorithms indicate this variant is likely to affect gene or protein function. Given the available evidence, this variant is classified as Pathogenic.

Women's Health and Genetics/Laboratory Corporation of America, LabCorp
Classification: Pathogenic for Medium-chain acyl-coenzyme A dehydrogenase deficiency. Last evaluated: 2025-09-24. Review status: criteria provided, single submitter. Criteria: LabCorp Variant Classification Summary - May 2015. Collection method: clinical testing. Allele origin: germline.
Comment: Variant summary: ACADM c.797A>G (p.Asp266Gly) results in a non-conservative amino acid change located in the Acyl-CoA oxidase/dehydrogenase, middle domain (IPR006091) of the encoded protein sequence. Algorithms developed to predict the effect of missense changes on protein structure and function all suggest that this variant is likely to be disruptive. The variant allele was found at a frequency of 0.00032 in 251388 control chromosomes. This frequency is not significantly higher than estimated for disease-causing variants in ACADM, allowing no conclusion about variant significance. c.797A>G has been observed in multiple individuals affected with Medium Chain Acyl-CoA Dehydrogenase Deficiency. These data indicate that the variant is very likely to be associated with disease. At least one publication reports experimental evidence evaluating an impact on protein function. The most pronounced variant effect results in 30%-50% of normal activity. ClinVar contains an entry for this variant (Variation ID: 203540). Based on the evidence outlined above, the variant was classified as pathogenic.

3billion
Classification: Likely pathogenic for Medium-chain acyl-coenzyme A dehydrogenase deficiency. Last evaluated: 2025-07-08. Review status: criteria provided, single submitter. Criteria: ACMG Guidelines, 2015. Collection method: clinical testing. Allele origin: germline. Affected: yes.
Comment: The variant is observed at an extremely low frequency in the gnomAD v4.1.0 dataset (total allele frequency: 0.015%). Predicted Consequence/Location: Missense variant In silico tool predictions suggest damaging effect of the variant on gene or gene product [REVEL: 0.73 (>=0.6, sensitivity 0.68 and specificity 0.92); 3Cnet: 0.99 (> 0.75, sensitivity 0.96 and precision 0.92)]. The same nucleotide change resulting in the same amino acid change has been previously reported as pathogenic/likely pathogenic with strong evidence (ClinVar ID: VCV000203540 /PMID: 15832312). Therefore, this variant is classified as Likely pathogenic according to the recommendation of ACMG/AMP guideline.

Variantyx, Inc.
Classification: Pathogenic for Medium-chain acyl-coenzyme A dehydrogenase deficiency. Last evaluated: 2025-03-19. Review status: criteria provided, single submitter. Criteria: Variantyx Assertion Criteria 2022. Collection method: clinical testing. Allele origin: germline. Inheritance: Autosomal recessive inheritance.
Comment: This is a nonsynonymous variant in the ACADM gene (OMIM: 607008). Pathogenic variants in the ACADM gene have been reported to cause autosomal recessive deficiency of medium chain Acyl-CoA dehydrogenase. This variant has a 0006001% maximum allele frequency in non-founder control populations (PM2). The variant lies in a region with several pathogenic/likely pathogenic variants reported within 30 bsae pairs without benign variatns (PM1). Functional analysis has shown that the alteration significantly impairs protein function (PMID: 24718418) (PS3) and multiple lines of computational evidence support a deleterious effect (REVEL score 0.733) (PP3). Multiple reports describe this variant tin rans with a pathogenic variant or in the homozygous state in newborns with medium-chain acyl-CoA dehydrogenase deficiency (PMID:15832312, 18450854, 19780764, 36840705) (PM3). Based on this evidence, this variant is classified as pathogenic for autosomal recessive deficiency of medium chain Acyl-CoA dehydrogenase.

Blueprint Genetics
Classification: Pathogenic for ACADM-related disorders. Last evaluated: 2024-09-24. Review status: criteria provided, single submitter. Criteria: ACMG Guidelines, 2015. Collection method: clinical testing. Allele origin: germline. Affected: yes. Observed: 5 variant alleles.